The following is an entry in ClinVar:

ClinVar aggregate classification (germline): Uncertain significance. Review status: criteria provided, multiple submitters, no conflicts (2 of 4 stars). 2 submissions from 2 submitters: Uncertain significance (2). Last evaluated 2025-02-07.

Conditions:
Inborn genetic diseases. Identifiers: MedGen C0950123, MeSH D030342.

Allele frequency attached by ClinVar (database versions not stated): gnomAD exomes 0.00001; gnomAD 0.00002 and 0.00003; TOPMed 0.00006.
gnomAD v4.1: 14 of 1,614,030 alleles (0.00087%); highest among the groups gnomAD compares: Admixed American, 0.0067%; no homozygotes.

Submissions (2):

Ambry Genetics
Classification: Uncertain significance for Inborn genetic diseases. Last evaluated: 2025-02-07. Review status: criteria provided, single submitter. Criteria: Ambry Variant Classification Scheme 2023. Collection method: clinical testing. Allele origin: germline.

Labcorp Genetics (formerly Invitae), Labcorp
Classification: Uncertain significance. Last evaluated: 2022-09-27. Review status: criteria provided, single submitter. Criteria: Invitae Variant Classification Sherloc (09022015). Collection method: clinical testing. Allele origin: germline.
Comment: This sequence change replaces serine, which is neutral and polar, with asparagine, which is neutral and polar, at codon 754 of the PLAA protein (p.Ser754Asn). This variant is present in population databases (no rsID available, gnomAD 0.006%). This variant has not been reported in the literature in individuals affected with PLAA-related conditions. ClinVar contains an entry for this variant (Variation ID: 1411370). Advanced modeling of protein sequence and biophysical properties (such as structural, functional, and spatial information, amino acid conservation, physicochemical variation, residue mobility, and thermodynamic stability) performed at Invitae indicates that this missense variant is not expected to disrupt PLAA protein function. In summary, the available evidence is currently insufficient to determine the role of this variant in disease. Therefore, it has been classified as a Variant of Uncertain Significance.

NM_001031689.3(PLAA):c.2261G>A (p.Ser754Asn)

Gene: PLAA (phospholipase A2 activating protein; minus strand). Cytogenetic location: 9p21.2.
Variant type: single nucleotide variant.
Coding change: c.2261G>A on transcript NM_001031689.3 (MANE Select); coding-DNA position 2261, G replaced by A.
Protein change: p.Ser754Asn; replaces serine 754 with asparagine.
Molecular consequence: missense variant.
Genome position (GRCh38, 1-based): chr9:26,905,638, C>T on the plus strand (G>A on the coding strand, the complement: PLAA is on the minus strand). VCF-style: chr9-26905638-C-T. GRCh37 (hg19) VCF-style: chr9-26905636-C-T.
Other names: c.2192G>A, p.Ser731Asn (NM_001321546.2); c.2261G>A (NM_001031689.2); short protein forms S754N, S731N.
Identifiers: ClinVar variation 1411370 (VCV001411370.4), dbSNP rs1206597535, ClinGen allele CA373125108.